The following is an entry in ClinVar:

ClinVar aggregate classification (germline): Pathogenic (1 of 4 stars; one submission).

Conditions:
Werner syndrome (WRN). Identifiers: Orphanet 902, MedGen C0043119, MONDO:0010196, OMIM 277700.

Submission:

Labcorp Genetics (formerly Invitae), Labcorp
Classification: Pathogenic for Werner syndrome. Last evaluated: 2020-11-13. Review status: criteria provided, single submitter. Criteria: Invitae Variant Classification Sherloc (09022015). Collection method: clinical testing. Allele origin: germline.
Comment: This sequence change creates a premature translational stop signal (p.Cys1041*) in the WRN gene. It is expected to result in an absent or disrupted protein product. Loss-of-function variants in WRN are known to be pathogenic (PMID: 16673358). This variant is not present in population databases (ExAC no frequency). This variant has not been reported in the literature in individuals with WRN-related conditions. For these reasons, this variant has been classified as Pathogenic.

Literature cited by the submitters: PubMed 16673358.

NM_000553.6(WRN):c.3123C>A (p.Cys1041Ter)

Gene: WRN (WRN RecQ like helicase; plus strand). Cytogenetic location: 8p12.
Variant type: single nucleotide variant.
Coding change: c.3123C>A on transcript NM_000553.6 (MANE Select); coding-DNA position 3123, C replaced by A.
Protein change: p.Cys1041Ter; replaces cysteine 1041 with a stop codon.
Molecular consequence: nonsense.
Genome position (GRCh38, 1-based): chr8:31,141,585, C>A. VCF-style: chr8-31141585-C-A. GRCh37 (hg19) VCF-style: chr8-30999101-C-A.
Other names: short protein forms C1041*.
Identifiers: ClinVar variation 1456448 (VCV001456448.6), dbSNP rs773664315, ClinGen allele CA370922574.
Genomic context (GRCh38, chr8:31,141,585, plus strand): 5'-GCTGATCACTGAGGGATTCTTGGTAGAAGTTTCTCGGTATAACAAATTTATGAAGATTTG[C>A]GCCCTTACGAAAAAGGTAAACGGTGTAGGAGTCTGCCTGTTTGACTTAATTTTGTTTCCC-3'